The following is an entry in ClinVar:

NM_001105247.2(ARMC5):c.2380G>T (p.Gly794Cys)

Gene: ARMC5 (armadillo repeat containing 5; plus strand). Cytogenetic location: 16p11.2.
Variant type: single nucleotide variant.
Coding change: c.2380G>T on transcript NM_001105247.2 (MANE Select); coding-DNA position 2380, G replaced by T.
Protein change: p.Gly794Cys; replaces glycine 794 with cysteine.
Molecular consequence: missense variant. On other transcripts: 3 prime UTR variant (1).
Genome position (GRCh38, 1-based): chr16:31,466,461, G>T. VCF-style: chr16-31466461-G-T. GRCh37 (hg19) VCF-style: chr16-31477782-G-T.
Other names: c.2665G>T, p.Gly889Cys (NM_001288767.2); c.2476G>T, p.Gly826Cys (NM_001301820.1); c.*1260G>T (NM_024742.2); short protein forms G826C, G889C, G794C.
Identifiers: ClinVar variation 5003044 (VCV005003044.1).

ClinVar aggregate classification (germline): Uncertain significance (1 of 4 stars; one submission).

Conditions:
ACTH-independent macronodular adrenal hyperplasia 2. Also called: PRIMARY MACRONODULAR ADRENAL HYPERPLASIA. Identifiers: Orphanet 189427, MedGen C4014803, MONDO:0014416, OMIM 615954.

Submission:

OLLIN Analises Genomicas, OLLIN
Classification: Uncertain significance for ACTH-independent macronodular adrenal hyperplasia 2. Last evaluated: 2026-08-06. Review status: criteria provided, single submitter. Criteria: ACMG Guidelines 2015 PMID 25741868. Collection method: clinical testing. Allele origin: germline. Inheritance: Autosomal dominant inheritance.
Comment: This missense variant, located in exon 6 (of 6), is absent from gnomAD and ClinVar and has not been identified in the literature. In silico analysis is inconclusive regarding the impact of this variant. According to the currently available evidence, this variant has been classified as uncertain significance (PM2_P).